The following is an entry in ClinVar:

NM_004655.4(AXIN2):c.368A>G (p.Lys123Arg)

Gene: AXIN2 (axin 2; minus strand). Cytogenetic location: 17q24.1.
Variant type: single nucleotide variant.
Coding change: c.368A>G on transcript NM_004655.4 (MANE Select); coding-DNA position 368, A replaced by G.
Protein change: p.Lys123Arg; replaces lysine 123 with arginine.
Molecular consequence: missense variant.
Genome position (GRCh38, 1-based): chr17:65,558,253, T>C on the plus strand (A>G on the coding strand, the complement: AXIN2 is on the minus strand). VCF-style: chr17-65558253-T-C. GRCh37 (hg19) VCF-style: chr17-63554371-T-C.
Other names: c.368A>G, p.Lys123Arg (NM_001363813.1); c.368A>G (NM_004655.3); short protein forms K123R.
Identifiers: ClinVar variation 1443761 (VCV001443761.9), dbSNP rs2044303118, ClinGen allele CA400681546.

ClinVar aggregate classification (germline): Uncertain significance. Review status: criteria provided, multiple submitters, no conflicts (2 of 4 stars). 2 submissions from 2 submitters: Uncertain significance (2). Last evaluated 2024-08-18.

Conditions:
Hereditary cancer-predisposing syndrome. Also called: Tumor predisposition; Hereditary Cancer Syndrome; Hereditary neoplastic syndrome; Neoplastic Syndromes, Hereditary. Identifiers: Orphanet 140162, MedGen C0027672, MeSH D009386, MONDO:0015356.
Oligodontia-cancer predisposition syndrome. Also called: TOOTH AGENESIS-COLORECTAL CANCER SYNDROME. Identifiers: Orphanet 300576, MedGen C1837750, MONDO:0012075, OMIM 608615. Disease mechanism: loss of function.

Submissions (2):

Ambry Genetics
Classification: Uncertain significance for Hereditary cancer-predisposing syndrome. Last evaluated: 2024-08-18. Review status: criteria provided, single submitter. Criteria: Ambry Variant Classification Scheme 2023. Collection method: clinical testing. Allele origin: germline.
Comment: The p.K123R variant (also known as c.368A>G), located in coding exon 1 of the AXIN2 gene, results from an A to G substitution at nucleotide position 368. The lysine at codon 123 is replaced by arginine, an amino acid with highly similar properties. This amino acid position is conserved. In addition, this alteration is predicted to be tolerated by in silico analysis. Based on the available evidence, the clinical significance of this variant remains unclear.

Labcorp Genetics (formerly Invitae), Labcorp
Classification: Uncertain significance for Oligodontia-cancer predisposition syndrome. Last evaluated: 2022-06-22. Review status: criteria provided, single submitter. Criteria: Invitae Variant Classification Sherloc (09022015). Collection method: clinical testing. Allele origin: germline.
Comment: In summary, the available evidence is currently insufficient to determine the role of this variant in disease. Therefore, it has been classified as a Variant of Uncertain Significance. Algorithms developed to predict the effect of missense changes on protein structure and function (SIFT, PolyPhen-2, Align-GVGD) all suggest that this variant is likely to be tolerated. This variant has not been reported in the literature in individuals affected with AXIN2-related conditions. This variant is not present in population databases (gnomAD no frequency). This sequence change replaces lysine, which is basic and polar, with arginine, which is basic and polar, at codon 123 of the AXIN2 protein (p.Lys123Arg).